The following is an entry in ClinVar:

NM_001211.6(BUB1B):c.2386-16A>G

Gene: BUB1B (BUB1 mitotic checkpoint serine/threonine kinase B; plus strand). Cytogenetic location: 15q15.1.
Variant type: single nucleotide variant.
Coding change: c.2386-16A>G on transcript NM_001211.6 (MANE Select); 16 bases into the intron before coding-DNA position 2386, A replaced by G.
Molecular consequence: intron variant.
Genome position (GRCh38, 1-based): chr15:40,212,483, A>G. VCF-style: chr15-40212483-A-G. GRCh37 (hg19) VCF-style: chr15-40504684-A-G.
Identifiers: ClinVar variation 4744187 (VCV004744187.1).

ClinVar aggregate classification (germline): Uncertain significance (1 of 4 stars; one submission).

Conditions:
Mosaic variegated aneuploidy syndrome 1 (MVA1). Also called: Warburton-Anyane-Yeboa syndrome. Identifiers: Orphanet 1052, MedGen C1850343, MONDO:0009759, OMIM 257300.

Submission:

Labcorp Genetics (formerly Invitae), Labcorp
Classification: Uncertain significance for Mosaic variegated aneuploidy syndrome 1. Last evaluated: 2025-08-22. Review status: criteria provided, single submitter. Criteria: Invitae Variant Classification Sherloc (09022015). Collection method: clinical testing. Allele origin: germline.
Comment: This sequence change falls in intron 18 of the BUB1B gene. It does not directly change the encoded amino acid sequence of the BUB1B protein. This variant is not present in population databases (gnomAD no frequency). This variant has not been reported in the literature in individuals affected with BUB1B-related conditions. Algorithms developed to predict the effect of sequence changes on RNA splicing suggest that this variant may disrupt the consensus splice site. In summary, the available evidence is currently insufficient to determine the role of this variant in disease. Therefore, it has been classified as a Variant of Uncertain Significance.